The following is an entry in ClinVar:

ClinVar aggregate classification (germline): Pathogenic. Review status: reviewed by expert panel (3 of 4 stars). 5 submissions from 5 submitters: Pathogenic (1). 4 of the submissions do not count toward it. Last evaluated 2016-10-18.

Conditions:
Breast carcinoma. Also called: Carcinoma of breast. Identifiers: MedGen C0678222, MONDO:0004989, HP:0003002.
Hereditary cancer-predisposing syndrome. Also called: Hereditary Cancer Syndrome; Neoplastic Syndromes, Hereditary; Hereditary neoplastic syndrome; Tumor predisposition. Identifiers: Orphanet 140162, MedGen C0027672, MeSH D009386, MONDO:0015356.
Hereditary breast ovarian cancer syndrome. Also called: Hereditary breast and ovarian cancer syndrome (HBOC); Breast and ovarian cancer; Hereditary breast and ovarian cancer syndrome; Hereditary breast and ovarian cancer; BRCA1- and BRCA2-Associated Hereditary Breast and Ovarian Cancer; Hereditary breast and/or ovarian cancer syndrome. Identifiers: Orphanet 145, MedGen C0677776, MeSH D061325, MONDO:0003582. Disease mechanism: loss of function.
Breast-ovarian cancer, familial, susceptibility to, 1 (BROVCA1). Also called: BRCA1 Hereditary Breast and Ovarian Cancer; OVARIAN CANCER, SUSCEPTIBILITY TO. Identifiers: Orphanet 145, MedGen C2676676, MONDO:0011450, OMIM 604370. Disease mechanism: loss of function.

Submissions (5):

Evidence-based Network for the Interpretation of Germline Mutant Alleles (ENIGMA)
Classification: Pathogenic for Breast-ovarian cancer, familial, susceptibility to, 1. Last evaluated: 2016-10-18. Review status: reviewed by expert panel. Criteria: ENIGMA BRCA1/2 Classification Criteria (2015). Collection method: curation. Allele origin: germline.
Comment: Variant allele predicted to encode a truncated non-functional protein.

Ambry Genetics
Classification: Pathogenic for Hereditary cancer-predisposing syndrome. Last evaluated: 2025-01-06. Review status: criteria provided, single submitter. Criteria: Ambry Variant Classification Scheme 2023. Collection method: clinical testing. Allele origin: germline. Not counted in ClinVar's aggregate classification.
Comment: The c.788dupG pathogenic mutation, located in coding exon 9 of the BRCA1 gene, results from a duplication of G at nucleotide position 788, causing a translational frameshift with a predicted alternate stop codon (p.S264*). This alteration was identified in a large, worldwide study of BRCA1/2 mutation positive families (Rebbeck TR et al. Hum Mutat, 2018 May;39:593-620). This alteration was also observed in at least one Turkish patient undergoing BRCA1/2 genetic testing due to their diagnosis of breast cancer (Cecener G et al. Cancer Genet, 2020 Jan;240:23-32; Agaoglu NB et al. Eur J Med Genet, 2021 Dec;64:104366). This variant is considered to be rare based on population cohorts in the Genome Aggregation Database (gnomAD). This alteration is expected to result in loss of function by premature protein truncation or nonsense-mediated mRNA decay. As such, this alteration is interpreted as a disease-causing mutation.

Labcorp Genetics (formerly Invitae), Labcorp
Classification: Pathogenic for Hereditary breast ovarian cancer syndrome. Last evaluated: 2022-02-25. Review status: criteria provided, single submitter. Criteria: Invitae Variant Classification Sherloc (09022015). Collection method: clinical testing. Allele origin: germline. Not counted in ClinVar's aggregate classification.
Comment: Algorithms developed to predict the effect of sequence changes on RNA splicing suggest that this variant may disrupt the consensus splice site. For these reasons, this variant has been classified as Pathogenic. ClinVar contains an entry for this variant (Variation ID: 266579). This variant has not been reported in the literature in individuals affected with BRCA1-related conditions. This variant is not present in population databases (gnomAD no frequency). This sequence change creates a premature translational stop signal (p.Ser264*) in the BRCA1 gene. It is expected to result in an absent or disrupted protein product. Loss-of-function variants in BRCA1 are known to be pathogenic (PMID: 20104584).

Consortium of Investigators of Modifiers of BRCA1/2 (CIMBA), c/o University of Cambridge
Classification: Pathogenic for Breast-ovarian cancer, familial, susceptibility to, 1. Last evaluated: 2015-10-02. Review status: criteria provided, single submitter. Criteria: CIMBA Mutation Classification guidelines May 2016. Collection method: clinical testing. Allele origin: germline. Not counted in ClinVar's aggregate classification.

Medical Genetics Laboratory, Umraniye Training and Research Hospital, University of Health Sciences
Classification: Pathogenic for Breast carcinoma. Last evaluated: 2021-08-18. Review status: no assertion criteria provided. Collection method: clinical testing. Allele origin: germline. Affected: yes. Observed: 1 variant allele, 1 heterozygote. Not counted in ClinVar's aggregate classification.
Comment: Invasive Ductal Carcinoma

Literature cited by the submitters: PubMed 29446198 (cited by Ambry Genetics); PubMed 31706072 (cited by Ambry Genetics); PubMed 34637943 (cited by Ambry Genetics); PubMed 20104584 (cited by Labcorp Genetics (formerly Invitae), Labcorp).

NM_007294.4(BRCA1):c.788dup (p.Gly263_Ser264insTer)

Gene: BRCA1 (BRCA1 DNA repair associated; minus strand). Cytogenetic location: 17q21.31.
Variant type: Duplication.
Coding change: c.788dup on transcript NM_007294.4 (MANE Select); coding-DNA position 788, one base duplicated (G; older notation c.788dupG).
Protein change: p.Gly263_Ser264insTer.
Molecular consequence: frameshift variant. On other transcripts: non-coding transcript variant (1).
Genome position (GRCh38, 1-based): chr17:43,094,743, C duplicated on the plus strand (G on the coding strand, the reverse complement: BRCA1 is on the minus strand); the first of 3 consecutive C bases (chr17:43,094,743-43,094,745); duplicating any one gives the same sequence. VCF-style (leftmost placement, unchanged base first): chr17-43094742-A-AC. GRCh37 (hg19) VCF-style: chr17-41246759-A-AC.
Other names: 907_908insG; c.788dupG (NM_007294.3, NM_007294.4); c.647dup, p.Gly216_Ser217insTer (NM_007297.4); c.788dup, p.Gly263_Ser264insTer (NM_007300.4).
Identifiers: ClinVar variation 266579 (VCV000266579.14), dbSNP rs886040319, ClinGen allele CA10589993.